The following is an entry in ClinVar:

ClinVar aggregate classification (germline): Uncertain significance. Review status: criteria provided, multiple submitters, no conflicts (2 of 4 stars). 2 submissions from 2 submitters: Uncertain significance (2). Last evaluated 2024-04-09.

Conditions:
Inborn genetic diseases. Identifiers: MedGen C0950123, MeSH D030342.

Allele frequency attached by ClinVar (database versions not stated): gnomAD exomes 0.00045; TOPMed 0.00024; 1000 Genomes Project 30x 0.00016; ExAC 0.00016; gnomAD 0.00023; 1000 Genomes Project 0.00020; ESP Exome Variant Server 0.00054.
gnomAD v4.1: 717 of 1,614,208 alleles (0.044%); highest among the groups gnomAD compares: Non-Finnish European, 0.054%; no homozygotes.

Submissions (2):

Ambry Genetics
Classification: Uncertain significance for Inborn genetic diseases. Last evaluated: 2024-04-09. Review status: criteria provided, single submitter. Criteria: Ambry Variant Classification Scheme 2023. Collection method: clinical testing. Allele origin: germline.

Labcorp Genetics (formerly Invitae), Labcorp
Classification: Uncertain significance. Last evaluated: 2022-04-01. Review status: criteria provided, single submitter. Criteria: Invitae Variant Classification Sherloc (09022015). Collection method: clinical testing. Allele origin: germline.
Comment: This sequence change replaces isoleucine, which is neutral and non-polar, with threonine, which is neutral and polar, at codon 356 of the TSPYL1 protein (p.Ile356Thr). In summary, the available evidence is currently insufficient to determine the role of this variant in disease. Therefore, it has been classified as a Variant of Uncertain Significance. Algorithms developed to predict the effect of missense changes on protein structure and function (SIFT, PolyPhen-2, Align-GVGD) all suggest that this variant is likely to be tolerated. This variant has not been reported in the literature in individuals affected with TSPYL1-related conditions. This variant is present in population databases (rs144676525, gnomAD 0.04%).

NM_003309.4(TSPYL1):c.1067T>C (p.Ile356Thr)

Genes: DSE (dermatan sulfate epimerase; plus strand), TSPYL1 (TSPY like 1; minus strand). Cytogenetic location: 6q22.1.
Variant type: single nucleotide variant.
Coding change: c.1067T>C on transcript NM_003309.4 (MANE Select); coding-DNA position 1067, T replaced by C.
Protein change: p.Ile356Thr; replaces isoleucine 356 with threonine.
Molecular consequence: missense variant. On other transcripts: intron variant (6).
Genome position (GRCh38, 1-based): chr6:116,278,764, A>G on the plus strand (T>C on the coding strand, the complement: TSPYL1 is on the minus strand). VCF-style: chr6-116278764-A-G. GRCh37 (hg19) VCF-style: chr6-116599927-A-G.
Other names: c.-954+19797A>G (NM_001374520.1); c.-54+19797A>G (NM_001322937.2, NM_001322938.2, NM_001374522.1); c.-641+19797A>G (NM_001374521.1); c.-611+19797A>G (NM_001322940.2); short protein forms I356T.
Identifiers: ClinVar variation 2052939 (VCV002052939.4), dbSNP rs144676525, ClinGen allele CA3969169.
Genomic context (GRCh38, chr6:116,278,764, plus strand): 5'-CTGCAGATGAGGTCTTGGTTTCTGCGAATGAAGGACTGGGGTTCATGCCCCCTGCGCCAT[A>G]TAATTGGAGTAGAAAGAGACACCACTCGGCCGGAGGATCTTACCTCATATTCCTTGACAA-3'
Protein context (NP_003300.1, residues 346-366): GRVVSLSTPI[Ile356Thr]WRRGHEPQSF